The following is an entry in ClinVar:

NM_000297.4(PKD2):c.503T>C (p.Val168Ala)

Genes: PKD2 (polycystin 2, transient receptor potential cation channel; plus strand), LOC129992813 (ATAC-STARR-seq lymphoblastoid silent region 15559; plus strand). Cytogenetic location: 4q22.1.
Variant type: single nucleotide variant.
Coding change: c.503T>C on transcript NM_000297.4 (MANE Select); coding-DNA position 503, T replaced by C.
Protein change: p.Val168Ala; replaces valine 168 with alanine.
Molecular consequence: missense variant. On other transcripts: non-coding transcript variant (1).
Genome position (GRCh38, 1-based): chr4:88,008,236, T>C. VCF-style: chr4-88008236-T-C. GRCh37 (hg19) VCF-style: chr4-88929388-T-C.
Other names: short protein forms V168A.
Identifiers: ClinVar variation 2534437 (VCV002534437.4), dbSNP rs2476358625, ClinGen allele CA357626916.

ClinVar aggregate classification (germline): Conflicting classifications of pathogenicity. Review status: criteria provided, conflicting classifications (1 of 4 stars). 2 submissions from 2 submitters: Uncertain significance (1); Likely benign (1). Last evaluated 2025-06-12.

Conditions:
Inborn genetic diseases. Identifiers: MedGen C0950123, MeSH D030342.
Autosomal dominant polycystic kidney disease. Identifiers: Orphanet 730, MedGen C0085413, MONDO:0004691.

Submissions (2):

Labcorp Genetics (formerly Invitae), Labcorp
Classification: Uncertain significance for Autosomal dominant polycystic kidney disease. Last evaluated: 2025-06-12. Review status: criteria provided, single submitter. Criteria: Invitae Variant Classification Sherloc (09022015). Collection method: clinical testing. Allele origin: germline.
Comment: This sequence change replaces valine, which is neutral and non-polar, with alanine, which is neutral and non-polar, at codon 168 of the PKD2 protein (p.Val168Ala). This variant is not present in population databases (gnomAD no frequency). This variant has not been reported in the literature in individuals affected with PKD2-related conditions. ClinVar contains an entry for this variant (Variation ID: 2534437). An algorithm developed to predict the effect of missense changes on protein structure and function outputs the following: PolyPhen-2: "Benign". The alanine amino acid residue is found in multiple mammalian species, which suggests that this missense change does not adversely affect protein function. In summary, the available evidence is currently insufficient to determine the role of this variant in disease. Therefore, it has been classified as a Variant of Uncertain Significance.

Ambry Genetics
Classification: Likely benign for Inborn genetic diseases. Last evaluated: 2023-04-07. Review status: criteria provided, single submitter. Criteria: Ambry Variant Classification Scheme 2023. Collection method: clinical testing. Allele origin: germline.